The following is an entry in ClinVar:

NM_000435.3(NOTCH3):c.2539G>A (p.Asp847Asn)

Gene: NOTCH3 (notch receptor 3; minus strand). Cytogenetic location: 19p13.12.
Variant type: single nucleotide variant.
Coding change: c.2539G>A on transcript NM_000435.3 (MANE Select); coding-DNA position 2539, G replaced by A.
Protein change: p.Asp847Asn; replaces aspartic acid 847 with asparagine.
Molecular consequence: missense variant.
Genome position (GRCh38, 1-based): chr19:15,184,322, C>T on the plus strand (G>A on the coding strand, the complement: NOTCH3 is on the minus strand). VCF-style: chr19-15184322-C-T. GRCh37 (hg19) VCF-style: chr19-15295133-C-T.
Other names: short protein forms D847N.
Identifiers: ClinVar variation 2684134 (VCV002684134.1), dbSNP rs2046863908, ClinGen allele CA404519154.

ClinVar aggregate classification (germline): Uncertain significance (1 of 4 stars; one submission).

Allele frequency attached by ClinVar (database versions not stated): gnomAD exomes below 0.00001; gnomAD 0.00001; TOPMed 0.00001.
gnomAD v4.1: 4 of 1,613,854 alleles (0.00025%); highest among the groups gnomAD compares: East Asian, 0.0022%; no homozygotes.

Submission:

Athena Diagnostics
Classification: Uncertain significance. Last evaluated: 2022-12-13. Review status: criteria provided, single submitter. Criteria: Athena Diagnostics Criteria. Collection method: clinical testing. Allele origin: unknown.
Comment: Available data are insufficient to determine the clinical significance of the variant at this time. The frequency of this variant in the general population is uninformative in assessment of its pathogenicity. Computational tools disagree on the variant's effect on normal protein function.